The following is an entry in ClinVar:

NM_033337.3(CAV3):c.2T>C (p.Met1Thr)

Gene: CAV3 (caveolin 3; plus strand). Cytogenetic location: 3p25.3.
Variant type: single nucleotide variant.
Coding change: c.2T>C on transcript NM_033337.3 (MANE Select); coding-DNA position 2, T replaced by C.
Protein change: p.Met1Thr; changes the start codon (methionine 1).
Molecular consequence: missense variant, initiator codon variant.
Genome position (GRCh38, 1-based): chr3:8,733,878, T>C. VCF-style: chr3-8733878-T-C. GRCh37 (hg19) VCF-style: chr3-8775564-T-C.
Other names: c.2T>C, p.Met1Thr (NM_001234.5); short protein forms M1T.
Identifiers: ClinVar variation 4219741 (VCV004219741.1).

ClinVar aggregate classification (germline): Uncertain significance (1 of 4 stars; one submission).

Conditions:
Cardiovascular phenotype. Identifiers: MedGen CN230736.

Submission:

Ambry Genetics
Classification: Uncertain significance for Cardiovascular phenotype. Last evaluated: 2025-06-24. Review status: criteria provided, single submitter. Criteria: Ambry Variant Classification Scheme 2023. Collection method: clinical testing. Allele origin: germline.
Comment: The p.M1? variant (also known as c.2T>C) is located in coding exon 1 of the CAV3 gene and results from a T to C substitution at nucleotide position 2. This alters the methionine residue at the initiation codon (ATG). Variations that modify the initiation codon (ATG) are expected to result in either loss of translation initiation, N-terminal truncation, or cause a shift in the mRNA reading frame; however, there is an in-frame methionine an amino acid from the initiation site, which may result in N-terminal truncation of unknown functional significance. Based on the available evidence, the clinical significance of this variant remains unclear.